The following is an entry in ClinVar:

ClinVar aggregate classification (germline): Likely benign (1 of 4 stars; one submission).

Submission:

CeGaT Center for Human Genetics Tuebingen
Classification: Likely benign. Last evaluated: 2022-06-01. Review status: criteria provided, single submitter. Criteria: CeGaT Center For Human Genetics Tuebingen Variant Classification Criteria Version 2. Collection method: clinical testing. Allele origin: germline. Affected: yes. Observed: 1 variant allele.
Comment: CACNA1I: PM2:Supporting, BP4, BP7

NM_021096.4(CACNA1I):c.1323T>C (p.Tyr441=)

Gene: CACNA1I (calcium voltage-gated channel subunit alpha1 I; plus strand). Cytogenetic location: 22q13.1.
Variant type: single nucleotide variant.
Coding change: c.1323T>C on transcript NM_021096.4 (MANE Select); coding-DNA position 1323, T replaced by C.
Protein change: p.Tyr441=; no amino-acid change (tyrosine 441 retained).
Molecular consequence: synonymous variant.
Genome position (GRCh38, 1-based): chr22:39,646,742, T>C. VCF-style: chr22-39646742-T-C. GRCh37 (hg19) VCF-style: chr22-40042747-T-C.
Other names: c.1323T>C, p.Tyr441= (NM_001003406.2).
Identifiers: ClinVar variation 2653154 (VCV002653154.24), dbSNP rs894913120, ClinGen allele CA514609249.